The following is an entry in ClinVar:

ClinVar aggregate classification (germline): Pathogenic (1 of 4 stars; one submission).

Conditions:
Inborn genetic diseases. Identifiers: MedGen C0950123, MeSH D030342.

Submission:

Ambry Genetics
Classification: Pathogenic for Inborn genetic diseases. Last evaluated: 2025-06-24. Review status: criteria provided, single submitter. Criteria: Ambry Variant Classification Scheme 2023. Collection method: clinical testing. Allele origin: germline.
Comment: The c.5096_5099delAGCT (p.E1699Gfs*53) alteration, located in exon 12 (coding exon 11) of the ACAN gene, consists of a deletion of 4 nucleotides from position 5096 to 5099, causing a translational frameshift with a predicted alternate stop codon after 53 amino acids. This alteration is expected to result in loss of function by premature protein truncation or nonsense-mediated mRNA decay. This variant was not reported in population-based cohorts in the Genome Aggregation Database (gnomAD). Based on the available evidence, this alteration is classified as pathogenic.

NM_001369268.1(ACAN):c.5096_5099del (p.Glu1699fs)

Gene: ACAN (aggrecan; plus strand). Cytogenetic location: 15q26.1.
Variant type: Deletion.
Coding change: c.5096_5099del on transcript NM_001369268.1 (MANE Select); coding-DNA positions 5096 to 5099, 4 bases deleted (AGCT; older notation c.5096_5099delAGCT).
Protein change: p.Glu1699fs; shifts the reading frame from glutamic acid 1699.
Molecular consequence: frameshift variant.
Genome position (GRCh38, 1-based): chr15:88,857,681-88,857,684, AGCT deleted. VCF-style (leftmost placement, unchanged base first): chr15-88857680-GAGCT-G. GRCh37 (hg19) VCF-style: chr15-89400911-GAGCT-G.
Other names: c.5096_5099del, p.Glu1699fs (NM_001135.4, NM_001411096.1, NM_001411097.1 and 1 more transcripts); short protein forms E1699fs.
Identifiers: ClinVar variation 4214350 (VCV004214350.1).